The following is an entry in ClinVar:

NM_001130987.2(DYSF):c.5150G>A (p.Cys1717Tyr)

Gene: DYSF (dysferlin; plus strand). Cytogenetic location: 2p13.2.
Variant type: single nucleotide variant.
Coding change: c.5150G>A on transcript NM_001130987.2 (MANE Select); coding-DNA position 5150, G replaced by A.
Protein change: p.Cys1717Tyr; replaces cysteine 1717 with tyrosine.
Molecular consequence: missense variant.
Genome position (GRCh38, 1-based): chr2:71,664,414, G>A. VCF-style: chr2-71664414-G-A. GRCh37 (hg19) VCF-style: chr2-71891544-G-A.
Other names: NM_001130987.2(DYSF):c.5150G>A; p.Cys1717Tyr; c.5033G>A (NM_003494.3); c.5036G>A, p.Cys1679Tyr (NM_001130455.2); c.4991G>A, p.Cys1664Tyr (NM_001130976.2); c.5054G>A, p.Cys1685Tyr (NM_001130977.2); c.5096G>A, p.Cys1699Tyr (NM_001130978.2); c.5126G>A, p.Cys1709Tyr (NM_001130979.2); and 8 more; short protein forms C1717Y, C1678Y, C1665Y, C1679Y, C1685Y, C1695Y, C1700Y, C1699Y.
Identifiers: ClinVar variation 288830 (VCV000288830.12), dbSNP rs753279446, ClinGen allele CA10606239.

ClinVar aggregate classification (germline): Pathogenic. Review status: reviewed by expert panel (3 of 4 stars). 5 submissions from 5 submitters: Pathogenic (1). 4 of the submissions do not count toward it. Last evaluated 2026-01-23.

Conditions:
Autosomal recessive limb-girdle muscular dystrophy. Identifiers: Orphanet 102015, MedGen C2931907, MONDO:0015152.
Autosomal recessive limb-girdle muscular dystrophy type 2B (LGMDR2). Also called: MUSCULAR DYSTROPHY, LIMB-GIRDLE, AUTOSOMAL RECESSIVE 2; Limb-girdle muscular dystrophy, type 2B; Limb-Girdle Muscular Dystrophy Type 2B (LGMD2B); MUSCULAR DYSTROPHY, LIMB-GIRDLE, TYPE 3. Identifiers: Orphanet 268, MedGen C1850889, MONDO:0009676, OMIM 253601.
Distal myopathy with anterior tibial onset. Identifiers: Orphanet 178400, MedGen C1847532, MONDO:0011721, OMIM 606768.
Miyoshi muscular dystrophy 1 (MMD1). Identifiers: Orphanet 45448, MedGen C4551973, MONDO:0024545, OMIM 254130.
Neuromuscular disease caused by qualitative or quantitative defects of dysferlin. Also called: Dysferlinopathy; Qualitative or quantitative defects of dysferlin. Identifiers: Orphanet 207073, MedGen C2931687, MONDO:0016145.

Submissions (5):

ClinGen Limb Girdle Muscular Dystrophy Variant Curation Expert Panel, ClinGen
Classification: Pathogenic for Autosomal recessive limb-girdle muscular dystrophy. Last evaluated: 2026-01-23. Review status: reviewed by expert panel. Criteria: ClinGen LGMD VCEP ACMG Specifications DYSF V2.0.0. Collection method: curation. Allele origin: germline. Inheritance: Autosomal recessive inheritance.
Comment: The NM_003494.4: c.5033G>A variant in DYSF, which is also known as NM_001130987.2: c.5150G>A p.(Cys1717Tyr), is a missense variant predicted to cause substitution of cysteine to tyrosine at amino acid 1678, p.(Cys1678Tyr). This variant has been observed in three individuals with suspected LGMD, two in a homozygous state including one with confirmed consanguinity (0.75 pts, PMID: 17994539, 36012197) and one with a pathogenic variant in unknown phase (NM_003494.4: c.1053+1G>A, 0.5 pts, PMID: 30564623, LOVD Individual #00221638) (PM3). At least one individual with two presumably diagnostic variants and suspected LGMD had absent dysferlin expression in muscle, which is highly specific for DYSF-related LGMD (PMID: 17994539, PP4_Strong). This variant is absent in gnomAD v4.1.0 (PM2_Supporting). The computational predictor REVEL gives a score of 0.96, which is above the LGMD VCEP threshold of ≥0.70 (PP3). In addition, two other missense variants at the same codon, NM_003494.4: c.5033G>C p.(Cys1678Ser) and c.5032T>C p.(Cys1678Arg), have been classified as at least likely pathogenic by the ClinGen LGMD VCEP (PM5). In summary, this variant is classified as Pathogenic for autosomal recessive limb girdle muscular dystrophy based on the ACMG/AMP criteria applied, as specified by the ClinGen LGMD VCEP (specifications v2.0.0; 01/23/2026): PM3, PM5, PP4_Strong, PP3, PM2_Supporting.

Natera, Inc.
Classification: Likely pathogenic for Limb-girdle muscular dystrophy type 2B. Last evaluated: 2025-03-23. Review status: criteria provided, single submitter. Criteria: Natera Variant Classification Schema (03/2026). Collection method: clinical testing. Allele origin: germline. Not counted in ClinVar's aggregate classification.
Comment: The c.5033G>A variant in DYSF is a missense variant predicted to cause substitution of cysteine to tyrosine at amino acid 1678. This variant is rare in the general population with a frequency below the threshold expected for the associated phenotype(s). This variant has been observed in one or more individuals affected with the associated recessive disease, as either homozygous or compound heterozygous with a second variant (PMID: 36012197, 17994539). Additionally, this variant has been observed to segregate in affected family members (PMID: 36012197). Computational prediction algorithms indicate this variant is likely to affect gene or protein function. Given the available evidence, this variant is classified as Likely Pathogenic.

Fulgent Genetics
Classification: Likely pathogenic for Autosomal recessive limb-girdle muscular dystrophy type 2B; Miyoshi muscular dystrophy 1; Distal myopathy with anterior tibial onset. Last evaluated: 2024-05-23. Review status: criteria provided, single submitter. Criteria: ACMG Guidelines, 2015. Collection method: clinical testing. Allele origin: germline. Not counted in ClinVar's aggregate classification.

Labcorp Genetics (formerly Invitae), Labcorp
Classification: Pathogenic for Neuromuscular disease caused by qualitative or quantitative defects of dysferlin. Last evaluated: 2023-06-15. Review status: criteria provided, single submitter. Criteria: Invitae Variant Classification Sherloc (09022015). Collection method: clinical testing. Allele origin: germline. Not counted in ClinVar's aggregate classification.
Comment: This sequence change replaces cysteine, which is neutral and slightly polar, with tyrosine, which is neutral and polar, at codon 1678 of the DYSF protein (p.Cys1678Tyr). This variant is not present in population databases (gnomAD no frequency). This missense change has been observed in individual(s) with limb-girdle muscular dystrophy (PMID: 17994539). ClinVar contains an entry for this variant (Variation ID: 288830). Advanced modeling of protein sequence and biophysical properties (such as structural, functional, and spatial information, amino acid conservation, physicochemical variation, residue mobility, and thermodynamic stability) performed at Invitae indicates that this missense variant is expected to disrupt DYSF protein function. This variant disrupts the p.Cys1678 amino acid residue in DYSF. Other variant(s) that disrupt this residue have been determined to be pathogenic (PMID: 16100712; Invitae). This suggests that this residue is clinically significant, and that variants that disrupt this residue are likely to be disease-causing. For these reasons, this variant has been classified as Pathogenic.

Eurofins Ntd Llc (ga)
Classification: Uncertain significance. Last evaluated: 2016-06-20. Review status: flagged submission. Criteria: EGL Classification Definitions 2015. Collection method: clinical testing. Allele origin: germline. Observed: 1 variant allele, 1 heterozygote. Not counted in ClinVar's aggregate classification.
ClinVar note: Reason: Older claim that does not account for recent evidence

Literature cited by the submitters: PubMed 36012197 (cited by Natera, Inc.); PubMed 17994539 (cited by Natera, Inc. and Labcorp Genetics (formerly Invitae), Labcorp); PubMed 16100712 (cited by Labcorp Genetics (formerly Invitae), Labcorp).